The following is an entry in ClinVar:

ClinVar aggregate classification (germline): Uncertain significance. Review status: criteria provided, multiple submitters, no conflicts (2 of 4 stars). 2 submissions from 2 submitters: Uncertain significance (2). Last evaluated 2024-10-06.

Conditions:
Inborn genetic diseases. Identifiers: MedGen C0950123, MeSH D030342.

Allele frequency attached by ClinVar (database versions not stated): TOPMed 0.00002; gnomAD 0.00001; gnomAD exomes 0.00002.
gnomAD v4.1: 11 of 1,614,080 alleles (0.00068%); highest among the groups gnomAD compares: Non-Finnish European, 0.00093%; no homozygotes.

Submissions (2):

Ambry Genetics
Classification: Uncertain significance for Inborn genetic diseases. Last evaluated: 2024-10-06. Review status: criteria provided, single submitter. Criteria: Ambry Variant Classification Scheme 2023. Collection method: clinical testing. Allele origin: germline.

Labcorp Genetics (formerly Invitae), Labcorp
Classification: Uncertain significance. Last evaluated: 2020-05-27. Review status: criteria provided, single submitter. Criteria: Invitae Variant Classification Sherloc (09022015). Collection method: clinical testing. Allele origin: germline.
Comment: This sequence change replaces alanine with valine at codon 330 of the LAMB3 protein (p.Ala330Val). The alanine residue is highly conserved and there is a small physicochemical difference between alanine and valine. This variant is not present in population databases (ExAC no frequency). This variant has not been reported in the literature in individuals with LAMB3-related disease. Algorithms developed to predict the effect of missense changes on protein structure and function do not agree on the potential impact of this missense change (SIFT: "Deleterious"; PolyPhen-2: "Possibly Damaging"; Align-GVGD: "Class C0"). In summary, the available evidence is currently insufficient to determine the role of this variant in disease. Therefore, it has been classified as a Variant of Uncertain Significance.

NM_000228.3(LAMB3):c.989C>T (p.Ala330Val)

Gene: LAMB3 (laminin subunit beta 3; minus strand). Cytogenetic location: 1q32.2.
Variant type: single nucleotide variant.
Coding change: c.989C>T on transcript NM_000228.3 (MANE Select); coding-DNA position 989, C replaced by T.
Protein change: p.Ala330Val; replaces alanine 330 with valine.
Molecular consequence: missense variant.
Genome position (GRCh38, 1-based): chr1:209,629,880, G>A on the plus strand (C>T on the coding strand, the complement: LAMB3 is on the minus strand). VCF-style: chr1-209629880-G-A. GRCh37 (hg19) VCF-style: chr1-209803225-G-A.
Other names: c.989C>T, p.Ala330Val (NM_001017402.2, NM_001127641.1); c.989C>T (NM_000228.2); short protein forms A330V.
Identifiers: ClinVar variation 2077697 (VCV002077697.2), dbSNP rs925370179, ClinGen allele CA36758505.
Genomic context (GRCh38, chr1:209,629,880, plus strand): 5'-GTGTGGTCCCGGCAATTGTCACACACACCTCCATATGCCCCCTGGCTGGCGGCAAACACA[G>A]CGGGGTCAAAGTGACATGTCTCTGAGTGCCCATTGCAGTCGCACCCTGGAAAAAGAGAGT-3'
Protein context (NP_000219.2, residues 320-340): GHSETCHFDP[Ala330Val]VFAASQGAYG